The following is an entry in ClinVar:

ClinVar aggregate classification (germline): Likely benign. Review status: criteria provided, multiple submitters, no conflicts (2 of 4 stars). 3 submissions from 3 submitters: Likely benign (3). Last evaluated 2025-12-21.

Conditions:
Inborn genetic diseases. Identifiers: MedGen C0950123, MeSH D030342.
Neurodevelopmental disorder with hypotonia, stereotypic hand movements, and impaired language. Also called: Intellectual disability, autosomal dominant 20. Identifiers: Orphanet 228384, Orphanet 664410, MedGen C3150700, MONDO:0013266, OMIM 613443.

Allele frequency attached by ClinVar (database versions not stated): gnomAD exomes below 0.00001 and 0.00002; ExAC 0.00003; TOPMed 0.00003; gnomAD 0.00007 and 0.00008.
gnomAD v4.1: 16 of 1,613,248 alleles (0.00099%); highest among the groups gnomAD compares: African/African-American, 0.019%; no homozygotes.

Submissions (3):

Labcorp Genetics (formerly Invitae), Labcorp
Classification: Likely benign for Neurodevelopmental disorder with hypotonia, stereotypic hand movements, and impaired language. Last evaluated: 2025-12-21. Review status: criteria provided, single submitter. Criteria: Invitae Variant Classification Sherloc (09022015). Collection method: clinical testing. Allele origin: germline.

GeneDx
Classification: Likely benign. Last evaluated: 2017-08-16. Review status: criteria provided, single submitter. Criteria: GeneDx Variant Classification (06012015). Collection method: clinical testing. Allele origin: germline. Affected: yes.
Comment: This variant is considered likely benign or benign based on one or more of the following criteria: it is a conservative change, it occurs at a poorly conserved position in the protein, it is predicted to be benign by multiple in silico algorithms, and/or has population frequency not consistent with disease.

Ambry Genetics
Classification: Likely benign for Inborn genetic diseases. Last evaluated: 2016-07-29. Review status: criteria provided, single submitter. Criteria: Ambry Variant Classification Scheme 2023. Collection method: clinical testing. Allele origin: germline.

NM_002397.5(MEF2C):c.780A>G (p.Pro260=)

Gene: MEF2C (myocyte enhancer factor 2C; minus strand). Cytogenetic location: 5q14.3.
Variant type: single nucleotide variant.
Coding change: c.780A>G on transcript NM_002397.5 (MANE Select); coding-DNA position 780, A replaced by G.
Protein change: p.Pro260=; no amino-acid change (proline 260 retained).
Molecular consequence: synonymous variant.
Genome position (GRCh38, 1-based): chr5:88,731,759, T>C on the plus strand (A>G on the coding strand, the complement: MEF2C is on the minus strand). VCF-style: chr5-88731759-T-C. GRCh37 (hg19) VCF-style: chr5-88027576-T-C.
Other names: c.774A>G, p.Pro258= (NM_001131005.2, NM_001364343.2, NM_001364352.2); c.834A>G, p.Pro278= (NM_001193347.1, NM_001364338.2); c.636A>G, p.Pro212= (NM_001193348.1, NM_001193349.3, NM_001364332.2 and 3 more transcripts); c.780A>G, p.Pro260= (NM_001193350.2, NM_001308002.3, NM_001363581.2 and 18 more transcripts); c.402A>G, p.Pro134= (NM_001364353.2, NM_001364356.2); c.354A>G, p.Pro118= (NM_001364357.2).
Identifiers: ClinVar variation 511539 (VCV000511539.14), dbSNP rs776117674, ClinGen allele CA3337252.